The following is an entry in ClinVar:

NM_130384.3(ATRIP):c.239A>T (p.Asp80Val)

Genes: ATRIP (ATR interacting protein; plus strand), ATRIP-TREX1 (ATRIP-TREX1 readthrough; plus strand). Cytogenetic location: 3p21.31.
Variant type: single nucleotide variant.
Coding change: c.239A>T on transcript NM_130384.3 (MANE Select); coding-DNA position 239, A replaced by T.
Protein change: p.Asp80Val; replaces aspartic acid 80 with valine.
Molecular consequence: missense variant. On other transcripts: non-coding transcript variant (1), intron variant (1).
Genome position (GRCh38, 1-based): chr3:48,447,084, A>T. VCF-style: chr3-48447084-A-T. GRCh37 (hg19) VCF-style: chr3-48488488-A-T.
Other names: c.239A>T, p.Asp80Val (NM_032166.4); c.-218+285A>T (NM_001271022.2); short protein forms D80V.
Identifiers: ClinVar variation 3463936 (VCV003463936.1).

ClinVar aggregate classification (germline): Uncertain significance (1 of 4 stars; one submission).

Submission:

Ambry Genetics
Classification: Uncertain significance. Last evaluated: 2024-11-18. Review status: criteria provided, single submitter. Criteria: Ambry Variant Classification Scheme 2023. Collection method: clinical testing. Allele origin: germline.
Comment: The p.D80V variant (also known as c.239A>T), located in coding exon 1 of the ATRIP gene, results from an A to T substitution at nucleotide position 239. The aspartic acid at codon 80 is replaced by valine, an amino acid with highly dissimilar properties. This amino acid position is conserved. In addition, this alteration is predicted to be tolerated by in silico analysis. Based on the available evidence, the clinical significance of this variant remains unclear.